The following is an entry in ClinVar:

NM_003823.4(TNFRSF6B):c.842G>A (p.Arg281His)

Genes: RTEL1-TNFRSF6B (RTEL1-TNFRSF6B readthrough (NMD candidate); plus strand), TNFRSF6B (TNF receptor superfamily member 6b; plus strand). Cytogenetic location: 20q13.33.
Variant type: single nucleotide variant.
Coding change: c.842G>A on transcript NM_003823.4 (MANE Select); coding-DNA position 842, G replaced by A.
Protein change: p.Arg281His; replaces arginine 281 with histidine.
Molecular consequence: missense variant. On other transcripts: non-coding transcript variant (1).
Genome position (GRCh38, 1-based): chr20:63,698,502, G>A. VCF-style: chr20-63698502-G-A. GRCh37 (hg19) VCF-style: chr20-62329855-G-A.
Other names: short protein forms R281H.
Identifiers: ClinVar variation 1405736 (VCV001405736.8), dbSNP rs202169963, ClinGen allele CA9966641.
Genomic context (GRCh38, chr20:63,698,502, plus strand): 5'-TCACGGAGCTCCTGGGGGCGCAGGACGGGGCGCTGCTGGTGCGGCTGCTGCAGGCGCTGC[G>A]CGTGGCCAGGATGCCCGGGCTGGAGCGGAGCGTCCGTGAGCGCTTCCTCCCTGTGCACTG-3'
Protein context (NP_003814.1, residues 271-291): ALLVRLLQAL[Arg281His]VARMPGLERS

ClinVar aggregate classification (germline): Uncertain significance (1 of 4 stars; one submission).

Allele frequency attached by ClinVar (database versions not stated): gnomAD 0.00004; gnomAD exomes 0.00004; TOPMed 0.00004.

Submission:

Labcorp Genetics (formerly Invitae), Labcorp
Classification: Uncertain significance. Last evaluated: 2025-11-11. Review status: criteria provided, single submitter. Criteria: Invitae Variant Classification Sherloc (09022015). Collection method: clinical testing. Allele origin: germline.
Comment: This sequence change replaces arginine, which is basic and polar, with histidine, which is basic and polar, at codon 281 of the TNFRSF6B protein (p.Arg281His). The frequency data for this variant in the population databases is considered unreliable, as metrics indicate poor data quality at this position in the gnomAD database. This variant has not been reported in the literature in individuals affected with TNFRSF6B-related conditions. ClinVar contains an entry for this variant (Variation ID: 1405736). An algorithm developed to predict the effect of missense changes on protein structure and function outputs the following: PolyPhen-2: "Benign". The histidine amino acid residue is found in multiple mammalian species, which suggests that this missense change does not adversely affect protein function. In summary, the available evidence is currently insufficient to determine the role of this variant in disease. Therefore, it has been classified as a Variant of Uncertain Significance.